The following is an entry in ClinVar:

NM_001122630.2(CDKN1C):c.421C>G (p.Pro141Ala)

Gene: CDKN1C (cyclin dependent kinase inhibitor 1C; minus strand). Cytogenetic location: 11p15.4.
Variant type: single nucleotide variant.
Coding change: c.421C>G on transcript NM_001122630.2 (MANE Select); coding-DNA position 421, C replaced by G.
Protein change: p.Pro141Ala; replaces proline 141 with alanine.
Molecular consequence: missense variant. On other transcripts: intron variant (1).
Genome position (GRCh38, 1-based): chr11:2,885,036, G>C on the plus strand (C>G on the coding strand, the complement: CDKN1C is on the minus strand). VCF-style: chr11-2885036-G-C. GRCh37 (hg19) VCF-style: chr11-2906266-G-C.
Other names: c.454C>G, p.Pro152Ala (NM_000076.2, NM_001362474.2); c.421C>G, p.Pro141Ala (NM_001122631.2); c.255+166C>G (NM_001362475.2); short protein forms P141A, P152A.
Identifiers: ClinVar variation 1375134 (VCV001375134.6), dbSNP rs1848953645, ClinGen allele CA379146667.
Genomic context (GRCh38, chr11:2,885,036, plus strand): 5'-GAGCCGCGACCGGAGCCGCGACCGGAGCCGGAGCCGGGGCCGGGGCTGGAGCCAGGACCG[G>C]GACTGGGGGCGGGGTGGACGCCGGGGCCGGGACCGGGACACTAGGCAGCTGCTCCGGCGC-3'
Protein context (NP_001116102.1, residues 131-151): PAPASTPPPV[Pro141Ala]VLAPAPAPAP

ClinVar aggregate classification (germline): Uncertain significance (1 of 4 stars; one submission).

Conditions:
Beckwith-Wiedemann syndrome (BWS). Also called: EMG SYNDROME; Exomphalos macroglossia gigantism syndrome. Identifiers: Orphanet 116, MedGen C0004903, MONDO:0007534, OMIM 130650.

Submission:

Labcorp Genetics (formerly Invitae), Labcorp
Classification: Uncertain significance for Beckwith-Wiedemann syndrome. Last evaluated: 2022-08-16. Review status: criteria provided, single submitter. Criteria: Invitae Variant Classification Sherloc (09022015). Collection method: clinical testing. Allele origin: germline.
Comment: Algorithms developed to predict the effect of missense changes on protein structure and function are either unavailable or do not agree on the potential impact of this missense change (SIFT: "Tolerated"; PolyPhen-2: "Not Available"; Align-GVGD: "Class C0"). In summary, the available evidence is currently insufficient to determine the role of this variant in disease. Therefore, it has been classified as a Variant of Uncertain Significance. ClinVar contains an entry for this variant (Variation ID: 1375134). This variant has not been reported in the literature in individuals affected with CDKN1C-related conditions. This variant is not present in population databases (gnomAD no frequency). This sequence change replaces proline, which is neutral and non-polar, with alanine, which is neutral and non-polar, at codon 152 of the CDKN1C protein (p.Pro152Ala).